The following is an entry in ClinVar:

ClinVar aggregate classification (germline): Uncertain significance (1 of 4 stars; one submission).

Conditions:
Cardiovascular phenotype. Identifiers: MedGen CN230736.

Allele frequency attached by ClinVar (database versions not stated): TOPMed below 0.00001.

Submission:

Ambry Genetics
Classification: Uncertain significance for Cardiovascular phenotype. Last evaluated: 2023-05-21. Review status: criteria provided, single submitter. Criteria: Ambry Variant Classification Scheme 2023. Collection method: clinical testing. Allele origin: germline.
Comment: The p.A288V variant (also known as c.863C>T), located in coding exon 2 of the NKX2-5 gene, results from a C to T substitution at nucleotide position 863. The alanine at codon 288 is replaced by valine, an amino acid with similar properties. This amino acid position is conserved. In addition, the in silico prediction for this alteration is inconclusive. Since supporting evidence is limited at this time, the clinical significance of this alteration remains unclear.

NM_004387.4(NKX2-5):c.863C>T (p.Ala288Val)

Gene: NKX2-5 (NK2 homeobox 5; minus strand). Cytogenetic location: 5q35.1.
Variant type: single nucleotide variant.
Coding change: c.863C>T on transcript NM_004387.4 (MANE Select); coding-DNA position 863, C replaced by T.
Protein change: p.Ala288Val; replaces alanine 288 with valine.
Molecular consequence: missense variant. On other transcripts: 3 prime UTR variant (2).
Genome position (GRCh38, 1-based): chr5:173,232,681, G>A on the plus strand (C>T on the coding strand, the complement: NKX2-5 is on the minus strand). VCF-style: chr5-173232681-G-A. GRCh37 (hg19) VCF-style: chr5-172659684-G-A.
Other names: c.*816C>T (NM_001166175.2); c.*662C>T (NM_001166176.2); short protein forms A288V.
Identifiers: ClinVar variation 2566525 (VCV002566525.2), dbSNP rs1761343757, ClinGen allele CA362161019.